The following is an entry in ClinVar:

ClinVar aggregate classification (germline): Conflicting classifications of pathogenicity. Review status: criteria provided, conflicting classifications (1 of 4 stars). 5 submissions from 3 submitters: Uncertain significance (3); Likely benign (2). Last evaluated 2026-04-01.

Conditions:
Thrombophilia due to thrombin defect (THPH1). Also called: THROMBOPHILIA DUE TO FACTOR 2 DEFECT; Prothrombin-Related Thrombophilia (Factor II); Thrombosis susceptibility; Prothrombin Thrombophilia. Identifiers: MedGen C3160733, MONDO:0008559, OMIM 188050. Disease mechanism: gain of function, loss of function.
Congenital factor V deficiency. Also called: Hereditary factor V deficiency disease; LABILE FACTOR DEFICIENCY; OWREN PARAHEMOPHILIA; PARAHEMOPHILIA. Identifiers: Orphanet 326, MedGen C0015499, MONDO:0009210, OMIM 227400.
Budd-Chiari syndrome (BDCHS). Also called: Hepatic vein obstruction. Identifiers: Orphanet 131, MedGen C0856761, MONDO:0010947, OMIM 600880, HP:0002639.
Factor V deficiency. Also called: Reduced coagulation factor V activity. Identifiers: Orphanet 326, MedGen C4317320, MONDO:0020586, HP:0003225.

Allele frequency attached by ClinVar (database versions not stated): gnomAD exomes 0.00004; gnomAD 0.00377.

Submissions (5):

CeGaT Center for Human Genetics Tuebingen
Classification: Likely benign. Last evaluated: 2026-04-01. Review status: criteria provided, single submitter. Criteria: CeGaT Center For Human Genetics Tuebingen Variant Classification Criteria Version 2. Collection method: clinical testing. Allele origin: germline. Affected: yes. Observed: 2 variant alleles.
Comment: F5: BP4, BP7

Labcorp Genetics (formerly Invitae), Labcorp
Classification: Likely benign for Congenital factor V deficiency. Last evaluated: 2026-01-28. Review status: criteria provided, single submitter. Criteria: Invitae Variant Classification Sherloc (09022015). Collection method: clinical testing. Allele origin: germline.

Illumina Laboratory Services, Illumina
Classification: Uncertain significance for Budd-Chiari syndrome. Last evaluated: 2018-01-12. Review status: criteria provided, single submitter. Criteria: ICSL Variant Classification Criteria 13 December 2019. Collection method: clinical testing. Allele origin: germline.

Illumina Laboratory Services, Illumina
Classification: Uncertain significance for Venous thrombosis. Last evaluated: 2018-01-12. Review status: criteria provided, single submitter. Criteria: ICSL Variant Classification Criteria 13 December 2019. Collection method: clinical testing. Allele origin: germline.

Illumina Laboratory Services, Illumina
Classification: Uncertain significance for Congenital factor V deficiency. Last evaluated: 2018-01-12. Review status: criteria provided, single submitter. Criteria: ICSL Variant Classification Criteria 13 December 2019. Collection method: clinical testing. Allele origin: germline.

NM_000130.5(F5):c.4035A>G (p.Gln1345=)

Gene: F5 (coagulation factor V; minus strand). Cytogenetic location: 1q24.2.
Variant type: single nucleotide variant.
Coding change: c.4035A>G on transcript NM_000130.5 (MANE Select); coding-DNA position 4035, A replaced by G.
Protein change: p.Gln1345=; no amino-acid change (glutamine 1345 retained).
Molecular consequence: synonymous variant.
Genome position (GRCh38, 1-based): chr1:169,541,055, T>C on the plus strand (A>G on the coding strand, the complement: F5 is on the minus strand). VCF-style: chr1-169541055-T-C. GRCh37 (hg19) VCF-style: chr1-169510293-T-C.
Identifiers: ClinVar variation 293601 (VCV000293601.20), dbSNP rs886045547, ClinGen allele CA10608311.